The following is an entry in ClinVar:

NM_139027.6(ADAMTS13):c.3680T>C (p.Leu1227Pro)

Gene: ADAMTS13 (ADAM metallopeptidase with thrombospondin type 1 motif 13; plus strand). Cytogenetic location: 9q34.2.
Variant type: single nucleotide variant.
Coding change: c.3680T>C on transcript NM_139027.6 (MANE Select); coding-DNA position 3680, T replaced by C.
Protein change: p.Leu1227Pro; replaces leucine 1227 with proline.
Molecular consequence: missense variant. On other transcripts: non-coding transcript variant (1).
Genome position (GRCh38, 1-based): chr9:133,456,675, T>C. VCF-style: chr9-133456675-T-C. GRCh37 (hg19) VCF-style: chr9-136321797-T-C.
Other names: c.3848T>C, p.Leu1283Pro (NM_139025.5); c.3587T>C, p.Leu1196Pro (NM_139026.6); short protein forms L1196P, L1227P, L1283P.
Identifiers: ClinVar variation 3256640 (VCV003256640.1).

ClinVar aggregate classification (germline): Uncertain significance (1 of 4 stars; one submission).

Conditions:
Upshaw-Schulman syndrome (TTP). Also called: THROMBOTIC THROMBOCYTOPENIC PURPURA, HEREDITARY; Congenital thrombotic thrombocytopenic purpura. Identifiers: Orphanet 93583, MedGen C1268935, MONDO:0010122, OMIM 274150.

Submission:

MVZ Medizinische Genetik Mainz
Classification: Uncertain significance for Upshaw-Schulman syndrome. Last evaluated: 2024-05-06. Review status: criteria provided, single submitter. Criteria: UK Practice Guidelines For Variant Classification V4 01 2020. Collection method: clinical testing. Allele origin: germline. Inheritance: Autosomal recessive inheritance. Affected: yes. Observed: 1 variant allele.
Comment: ACMG Criteria: PM2_SUP